The following is an entry in ClinVar:

NM_001130987.2(DYSF):c.3680A>T (p.Glu1227Val)

Gene: DYSF (dysferlin; plus strand). Cytogenetic location: 2p13.2.
Variant type: single nucleotide variant.
Coding change: c.3680A>T on transcript NM_001130987.2 (MANE Select); coding-DNA position 3680, A replaced by T.
Protein change: p.Glu1227Val; replaces glutamic acid 1227 with valine.
Molecular consequence: missense variant.
Genome position (GRCh38, 1-based): chr2:71,598,669, A>T. VCF-style: chr2-71598669-A-T. GRCh37 (hg19) VCF-style: chr2-71825799-A-T.
Other names: c.3587A>T, p.Glu1196Val (NM_001130984.2, NM_001130986.2); c.3680A>T, p.Glu1227Val (NM_001130985.2); c.3626A>T, p.Glu1209Val (NM_003494.4, NM_001130978.2); c.3722A>T, p.Glu1241Val (NM_001130982.2); c.3629A>T, p.Glu1210Val (NM_001130983.2, NM_001130455.2); c.3677A>T, p.Glu1226Val (NM_001130980.2, NM_001130981.2); c.3584A>T, p.Glu1195Val (NM_001130976.2, NM_001130977.2); c.3719A>T, p.Glu1240Val (NM_001130979.2); short protein forms E1209V, E1227V, E1195V, E1210V, E1226V, E1240V, E1241V, E1196V.
Identifiers: ClinVar variation 1352791 (VCV001352791.4), dbSNP rs760974476, ClinGen allele CA1706665.

ClinVar aggregate classification (germline): Uncertain significance (1 of 4 stars; one submission).

Conditions:
Neuromuscular disease caused by qualitative or quantitative defects of dysferlin. Also called: Qualitative or quantitative defects of dysferlin; Dysferlinopathy. Identifiers: Orphanet 207073, MedGen C2931687, MONDO:0016145.

Allele frequency attached by ClinVar (database versions not stated): gnomAD exomes 0.00001; ExAC 0.00002.
gnomAD v4.1: 3 of 1,614,050 alleles (0.00019%); highest among the groups gnomAD compares: Admixed American, 0.005%; no homozygotes.

Submission:

Labcorp Genetics (formerly Invitae), Labcorp
Classification: Uncertain significance for Neuromuscular disease caused by qualitative or quantitative defects of dysferlin. Last evaluated: 2025-02-10. Review status: criteria provided, single submitter. Criteria: Invitae Variant Classification Sherloc (09022015). Collection method: clinical testing. Allele origin: germline.
Comment: This sequence change replaces glutamic acid, which is acidic and polar, with valine, which is neutral and non-polar, at codon 1209 of the DYSF protein (p.Glu1209Val). This variant is present in population databases (rs760974476, gnomAD 0.009%). This variant has not been reported in the literature in individuals affected with DYSF-related conditions. ClinVar contains an entry for this variant (Variation ID: 1352791). Invitae Evidence Modeling of protein sequence and biophysical properties (such as structural, functional, and spatial information, amino acid conservation, physicochemical variation, residue mobility, and thermodynamic stability) indicates that this missense variant is not expected to disrupt DYSF protein function with a negative predictive value of 95%. In summary, the available evidence is currently insufficient to determine the role of this variant in disease. Therefore, it has been classified as a Variant of Uncertain Significance.